The following is an entry in ClinVar:

ClinVar aggregate classification (germline): Uncertain significance (1 of 4 stars; one submission).

Conditions:
Dystonic disorder. Also called: Dystonia. Identifiers: MedGen C0013421, MONDO:0003441, HP:0001332.

gnomAD v4.1: 5 of 1,599,076 alleles (0.00031%); highest among the groups gnomAD compares: Non-Finnish European, 0.00043%; no homozygotes.

Submission:

Labcorp Genetics (formerly Invitae), Labcorp
Classification: Uncertain significance for Dystonic disorder. Last evaluated: 2024-06-02. Review status: criteria provided, single submitter. Criteria: Invitae Variant Classification Sherloc (09022015). Collection method: clinical testing. Allele origin: germline.
Comment: This sequence change replaces threonine, which is neutral and polar, with alanine, which is neutral and non-polar, at codon 269 of the CIZ1 protein (p.Thr269Ala). This variant is not present in population databases (gnomAD no frequency). This variant has not been reported in the literature in individuals affected with CIZ1-related conditions. Algorithms developed to predict the effect of missense changes on protein structure and function output the following: SIFT: "Not Available"; PolyPhen-2: "Benign"; Align-GVGD: "Not Available". The alanine amino acid residue is found in multiple mammalian species, which suggests that this missense change does not adversely affect protein function. In summary, the available evidence is currently insufficient to determine the role of this variant in disease. Therefore, it has been classified as a Variant of Uncertain Significance.

NM_001131016.2(CIZ1):c.805A>G (p.Thr269Ala)

Gene: CIZ1 (CDKN1A interacting zinc finger protein 1; minus strand). Cytogenetic location: 9q34.11.
Variant type: single nucleotide variant.
Coding change: c.805A>G on transcript NM_001131016.2 (MANE Select); coding-DNA position 805, A replaced by G.
Protein change: p.Thr269Ala; replaces threonine 269 with alanine.
Molecular consequence: missense variant.
Genome position (GRCh38, 1-based): chr9:128,179,402, T>C on the plus strand (A>G on the coding strand, the complement: CIZ1 is on the minus strand). VCF-style: chr9-128179402-T-C. GRCh37 (hg19) VCF-style: chr9-130941681-T-C.
Other names: c.805A>G, p.Thr269Ala (NM_001131015.2, NM_012127.3); c.790A>G, p.Thr264Ala (NM_001131017.2); c.733A>G, p.Thr245Ala (NM_001131018.2); c.895A>G, p.Thr299Ala (NM_001257975.2); c.502A>G, p.Thr168Ala (NM_001257976.2); short protein forms T269A, T168A, T299A, T245A, T264A.
Identifiers: ClinVar variation 3706175 (VCV003706175.2).